The following is an entry in ClinVar:

ClinVar aggregate classification (germline): Benign/Likely benign. Review status: criteria provided, multiple submitters, no conflicts (2 of 4 stars). 8 submissions from 8 submitters: Benign (2); Likely benign (4). 2 of the submissions do not count toward it. Last evaluated 2026-02-03.

Conditions:
Autosomal recessive limb-girdle muscular dystrophy type 2J (LGMDR10). Also called: MUSCULAR DYSTROPHY, LIMB-GIRDLE, AUTOSOMAL RECESSIVE 10; Limb-girdle muscular dystrophy, type 2J. Identifiers: Orphanet 140922, MedGen C1837342, MONDO:0012127, OMIM 608807.
Dilated cardiomyopathy 1G (CMD1G). Identifiers: Orphanet 154, MedGen C1858763, MONDO:0011400, OMIM 604145.

Submissions (8):

Labcorp Genetics (formerly Invitae), Labcorp
Classification: Likely benign for Dilated cardiomyopathy 1G; Autosomal recessive limb-girdle muscular dystrophy type 2J. Last evaluated: 2026-02-03. Review status: criteria provided, single submitter. Criteria: Invitae Variant Classification Sherloc (09022015). Collection method: clinical testing. Allele origin: germline.

CeGaT Center for Human Genetics Tuebingen
Classification: Likely benign. Last evaluated: 2025-12-01. Review status: criteria provided, single submitter. Criteria: CeGaT Center For Human Genetics Tuebingen Variant Classification Criteria Version 2. Collection method: clinical testing. Allele origin: germline. Affected: yes. Observed: 4 variant alleles.
Comment: TTN: BS1

Mayo Clinic Laboratories, Mayo Clinic
Classification: Likely benign. Last evaluated: 2025-06-27. Review status: criteria provided, single submitter. Criteria: ACMG Guidelines, 2015. Collection method: clinical testing. Allele origin: germline. Observed: 1 variant allele.
Comment: BS1, BP4, BP7

ARUP Laboratories, Molecular Genetics and Genomics, ARUP Laboratories
Classification: Benign. Last evaluated: 2025-04-03. Review status: criteria provided, single submitter. Criteria: ARUP Molecular Germline Variant Investigation Process 2024. Collection method: clinical testing. Allele origin: germline.

Women's Health and Genetics/Laboratory Corporation of America, LabCorp
Classification: Benign. Last evaluated: 2019-11-06. Review status: criteria provided, single submitter. Criteria: LabCorp Variant Classification Summary - May 2015. Collection method: clinical testing. Allele origin: germline.
Comment: Variant summary: TTN c.23030-39_23030-10dup30 alters a nucleotide located close to a canonical splice site and therefore could affect mRNA splicing, leading to a significantly altered protein sequence. 5/5 computational tools predict no significant impact on normal splicing. However, these predictions have yet to be confirmed by functional studies. The variant allele was found at a frequency of 0.0012 in 100440 control chromosomes, predominantly at a frequency of 0.012 within the East Asian subpopulation in the gnomAD database, including 4 homozygotes. The observed variant frequency within East Asian control individuals in the gnomAD database is approximately 19-folds over the estimated maximal expected allele frequency for a pathogenic variant in TTN causing Cardiomyopathy phenotype (0.00063), strongly suggesting that the variant is a benign polymorphism found primarily in populations of East Asian origin. To our knowledge, no occurrence of c.23030-39_23030-10dup30 in individuals affected with Cardiomyopathy and no experimental evidence demonstrating its impact on protein function have been reported. A ClinVar submission (evaluation after 2014) cites the variant as likely benign. Based on the evidence outlined above, the variant was classified as benign.

GeneDx
Classification: Likely benign. Last evaluated: 2019-11-05. Review status: criteria provided, single submitter. Criteria: GeneDx Variant Classification Process June 2021. Collection method: clinical testing. Allele origin: germline. Affected: yes.

Clinical Genetics DNA and cytogenetics Diagnostics Lab, Erasmus MC, Erasmus Medical Center
Classification: Benign. Review status: no assertion criteria provided. Collection method: clinical testing. Allele origin: germline. Affected: yes. Study: VKGL Data-share Consensus. Not counted in ClinVar's aggregate classification.

Clinical Genetics, Academic Medical Center
Classification: Benign. Review status: no assertion criteria provided. Collection method: clinical testing. Allele origin: germline. Affected: yes. Study: VKGL Data-share Consensus. Not counted in ClinVar's aggregate classification.

NM_001267550.2(TTN):c.26762-39TTTGT[12]

Gene: TTN (titin; minus strand). Cytogenetic location: 2q31.2.
Variant type: Microsatellite.
Coding change: c.26762-39TTTGT[12] on transcript NM_001267550.2 (MANE Select); 12 copies in a row of the 5-base unit TTTGT starting at c.26762-39; the reference has six copies in a row; six copies, 30 bases duplicated.
Molecular consequence: intron variant.
Genome position (GRCh38, 1-based): chr2:178,713,382-178,713,411, ACAAAACAAAACAAAACAAAACAAAACAAA duplicated on the plus strand (TTTGTTTTGTTTTGTTTTGTTTTGTTTTGT on the coding strand, the reverse complement: TTN is on the minus strand); duplicating any 30 consecutive bases within chr2:178,713,382-178,713,412 gives the same sequence; the position shown is the placement nearest the transcript's 3' end. VCF-style (leftmost placement, unchanged base first): chr2-178713381-T-TACAAAACAAAACAAAACAAAACAAAACAAA. GRCh37 (hg19) VCF-style: chr2-179578108-T-TACAAAACAAAACAAAACAAAACAAAACAAA.
Other names: p.?; c.13282+24671TTTGT[12] (NM_003319.4); c.13858+24671TTTGT[12] (NM_133437.4); c.13657+24671TTTGT[12] (NM_133432.3); c.23030-39TTTGT[12] (NM_133378.4); c.25811-39TTTGT[12] (NM_001256850.1); c.25811-39_25811-10dup (NM_001256850.1); c.23030-39_23030-10dup (NM_133378.4); and 2 more.
Identifiers: ClinVar variation 413040 (VCV000413040.47), dbSNP rs71393436, ClinGen allele CA1999924.